The following is an entry in ClinVar:

ClinVar aggregate classification (germline): Likely benign. Review status: criteria provided, multiple submitters, no conflicts (2 of 4 stars). 2 submissions from 2 submitters: Likely benign (2). Last evaluated 2024-10-31.

Allele frequency attached by ClinVar (database versions not stated): gnomAD exomes below 0.00001 and 0.00001; ExAC 0.00001; gnomAD 0.00002; TOPMed 0.00003.
gnomAD v4.1: 7 of 1,613,404 alleles (0.00043%); highest among the groups gnomAD compares: African/African-American, 0.0053%; no homozygotes.

Submissions (2):

Labcorp Genetics (formerly Invitae), Labcorp
Classification: Likely benign. Last evaluated: 2024-10-31. Review status: criteria provided, single submitter. Criteria: Invitae Variant Classification Sherloc (09022015). Collection method: clinical testing. Allele origin: germline.

GeneDx
Classification: Likely benign. Last evaluated: 2016-06-27. Review status: criteria provided, single submitter. Criteria: GeneDx Variant Classification (06012015). Collection method: clinical testing. Allele origin: germline. Affected: yes.
Comment: This variant is considered likely benign or benign based on one or more of the following criteria: it is a conservative change, it occurs at a poorly conserved position in the protein, it is predicted to be benign by multiple in silico algorithms, and/or has population frequency not consistent with disease.

NM_020745.4(AARS2):c.966C>T (p.Arg322=)

Gene: AARS2 (alanyl-tRNA synthetase 2, mitochondrial; minus strand). Cytogenetic location: 6p21.1.
Variant type: single nucleotide variant.
Coding change: c.966C>T on transcript NM_020745.4 (MANE Select); coding-DNA position 966, C replaced by T.
Protein change: p.Arg322=; no amino-acid change (arginine 322 retained).
Molecular consequence: synonymous variant.
Genome position (GRCh38, 1-based): chr6:44,307,323, G>A on the plus strand (C>T on the coding strand, the complement: AARS2 is on the minus strand). VCF-style: chr6-44307323-G-A. GRCh37 (hg19) VCF-style: chr6-44275060-G-A.
Identifiers: ClinVar variation 387067 (VCV000387067.5), dbSNP rs774493482, ClinGen allele CA3834497.